The following is an entry in ClinVar:

ClinVar aggregate classification (germline): Uncertain significance (1 of 4 stars; one submission).

Submission:

Ambry Genetics
Classification: Uncertain significance. Last evaluated: 2022-12-14. Review status: criteria provided, single submitter. Criteria: Ambry Variant Classification Scheme 2023. Collection method: clinical testing. Allele origin: germline.
Comment: The p.G30D variant (also known as c.89G>A), located in coding exon 1 of the EGLN2 gene, results from a G to A substitution at nucleotide position 89. The glycine at codon 30 is replaced by aspartic acid, an amino acid with similar properties. This amino acid position is conserved. In addition, this alteration is predicted to be tolerated by in silico analysis. Since supporting evidence is limited at this time, the clinical significance of this alteration remains unclear.

NM_080732.4(EGLN2):c.89G>A (p.Gly30Asp)

Genes: EGLN2 (egl-9 family hypoxia inducible factor 2; plus strand), RAB4B-EGLN2 (RAB4B-EGLN2 readthrough (NMD candidate); plus strand). Cytogenetic location: 19q13.2.
Variant type: single nucleotide variant.
Coding change: c.89G>A on transcript NM_080732.4 (MANE Select); coding-DNA position 89, G replaced by A.
Protein change: p.Gly30Asp; replaces glycine 30 with aspartic acid.
Molecular consequence: missense variant. On other transcripts: non-coding transcript variant (1).
Genome position (GRCh38, 1-based): chr19:40,800,661, G>A. VCF-style: chr19-40800661-G-A. GRCh37 (hg19) VCF-style: chr19-41306566-G-A.
Other names: c.89G>A, p.Gly30Asp (NM_053046.4); short protein forms G30D.
Identifiers: ClinVar variation 2449358 (VCV002449358.2), dbSNP rs968520489, ClinGen allele CA405954541.